The following is an entry in ClinVar:

NM_001903.5(CTNNA1):c.161G>A (p.Arg54His)

Gene: CTNNA1 (catenin alpha 1; plus strand). Cytogenetic location: 5q31.2.
Variant type: single nucleotide variant.
Coding change: c.161G>A on transcript NM_001903.5 (MANE Select); coding-DNA position 161, G replaced by A.
Protein change: p.Arg54His; replaces arginine 54 with histidine.
Molecular consequence: missense variant. On other transcripts: 5 prime UTR variant (1), intron variant (1).
Genome position (GRCh38, 1-based): chr5:138,783,232, G>A. VCF-style: chr5-138783232-G-A. GRCh37 (hg19) VCF-style: chr5-138118921-G-A.
Other names: c.161G>A, p.Arg54His (NM_001290307.3, NM_001323982.2, NM_001323983.1 and 3 more transcripts); c.-46G>A (NM_001290310.3); c.-9+1203G>A (NM_001290309.3); c.161G>A (NM_001903.4); short protein forms R54H.
Identifiers: ClinVar variation 854679 (VCV000854679.15), dbSNP rs746153198, ClinGen allele CA3431368.
Genomic context (GRCh38, chr5:138,783,232, plus strand): 5'-TTTAGGTTACAACCCTTGTAAACACCAATAGTAAAGGGCCCTCTAATAAGAAGAGAGGTC[G>A]TTCTAAGAAGGCCCATGTTTTGGCTGCATCTGTTGAACAAGCAACTGAGAATTTCTTGGA-3'
Protein context (NP_001894.2, residues 44-64): SKGPSNKKRG[Arg54His]SKKAHVLAAS

ClinVar aggregate classification (germline): Conflicting classifications of pathogenicity. Review status: criteria provided, conflicting classifications (1 of 4 stars). 5 submissions from 5 submitters: Uncertain significance (4); Likely benign (1). Last evaluated 2026-09-25.

Conditions:
Patterned macular dystrophy 2. Identifiers: Orphanet 99001, MedGen C1837029, MONDO:0012162, OMIM 608970.
Hereditary cancer-predisposing syndrome. Also called: Neoplastic Syndromes, Hereditary; Hereditary Cancer Syndrome; Tumor predisposition; Hereditary neoplastic syndrome. Identifiers: Orphanet 140162, MedGen C0027672, MeSH D009386, MONDO:0015356.
CTNNA1-related disorder. Also called: CTNNA1-related condition.

Allele frequency attached by ClinVar (database versions not stated): gnomAD exomes 0.00001 and 0.00002; TOPMed 0.00001; ExAC 0.00002.
gnomAD v4.1: 10 of 1,614,004 alleles (0.00062%); highest among the groups gnomAD compares: South Asian, 0.0033%; no homozygotes.

Submissions (5):

PreventionGenetics, part of Exact Sciences
Classification: Uncertain significance for CTNNA1-related condition. Last evaluated: 2026-09-25. Review status: criteria provided, single submitter. Criteria: ACMG Guidelines, 2015. Collection method: clinical testing. Allele origin: germline.
Comment: The CTNNA1 c.161G>A variant is predicted to result in the amino acid substitution p.Arg54His. This variant was reported in a cohort of individuals with gastric and/or breast cancer (Clark et al. 2020. PubMed ID: 32051609). It is reported in 0.0098% of alleles in individuals of South Asian descent in gnomAD and has conflicting interpretations in ClinVar ranging from likely benign to uncertain (Variation ID: 854679). At this time, the clinical significance of this variant is uncertain due to the absence of conclusive functional and genetic evidence.

Labcorp Genetics (formerly Invitae), Labcorp
Classification: Uncertain significance. Last evaluated: 2025-12-15. Review status: criteria provided, single submitter. Criteria: Invitae Variant Classification Sherloc (09022015). Collection method: clinical testing. Allele origin: germline.
Comment: This sequence change replaces arginine, which is basic and polar, with histidine, which is basic and polar, at codon 54 of the CTNNA1 protein (p.Arg54His). This variant is present in population databases (rs746153198, gnomAD 0.01%). This missense change has been observed in individual(s) with gastric or breast cancer (PMID: 32051609). ClinVar contains an entry for this variant (Variation ID: 854679). Invitae Evidence Modeling of protein sequence and biophysical properties (such as structural, functional, and spatial information, amino acid conservation, physicochemical variation, residue mobility, and thermodynamic stability) indicates that this missense variant is not expected to disrupt CTNNA1 protein function with a negative predictive value of 80%. In summary, the available evidence is currently insufficient to determine the role of this variant in disease. Therefore, it has been classified as a Variant of Uncertain Significance.

Fulgent Genetics
Classification: Uncertain significance for Patterned macular dystrophy 2. Last evaluated: 2024-03-18. Review status: criteria provided, single submitter. Criteria: ACMG Guidelines, 2015. Collection method: clinical testing. Allele origin: germline.

Baylor Genetics
Classification: Uncertain significance for Patterned macular dystrophy 2. Last evaluated: 2023-08-03. Review status: criteria provided, single submitter. Criteria: ACMG Guidelines, 2015. Collection method: clinical testing. Allele origin: unknown.

Ambry Genetics
Classification: Likely benign for Hereditary cancer-predisposing syndrome. Last evaluated: 2022-12-14. Review status: criteria provided, single submitter. Criteria: Ambry Variant Classification Scheme 2023. Collection method: clinical testing. Allele origin: germline.

Literature cited by the submitters: PubMed 32051609 (cited by Labcorp Genetics (formerly Invitae), Labcorp).